The following is an entry in ClinVar:

NM_004667.6(HERC2):c.8120C>T (p.Thr2707Met)

Gene: HERC2 (HECT and RLD domain containing E3 ubiquitin protein ligase 2; minus strand). Cytogenetic location: 15q13.1.
Variant type: single nucleotide variant.
Coding change: c.8120C>T on transcript NM_004667.6 (MANE Select); coding-DNA position 8120, C replaced by T.
Protein change: p.Thr2707Met; replaces threonine 2707 with methionine.
Molecular consequence: missense variant.
Genome position (GRCh38, 1-based): chr15:28,196,461, G>A on the plus strand (C>T on the coding strand, the complement: HERC2 is on the minus strand). VCF-style: chr15-28196461-G-A. GRCh37 (hg19) VCF-style: chr15-28441607-G-A.
Other names: short protein forms T2707M.
Identifiers: ClinVar variation 3731339 (VCV003731339.1).
Genomic context (GRCh38, chr15:28,196,461, plus strand): 5'-TTAATTCAACAGAAAACCATTCGTCCCAAAGCAAATCTAGCAACCATAAAAATAACTCAC[G>A]TAACCCCAGGATGAATACTGGGTACCAACTCCATTTCTGATAGCAACCCAGTCCAGTGAG-3'
Protein context (NP_004658.3, residues 2697-2717): ELVPSIHPGV[Thr2707Met]CDGCQMFPIN

ClinVar aggregate classification (germline): Uncertain significance (1 of 4 stars; one submission).

Conditions:
Developmental delay with autism spectrum disorder and gait instability (MRT38). Also called: Intellectual developmental disorder, autosomal recessive 38. Identifiers: Orphanet 329195, MedGen C3809753, MONDO:0014224, OMIM 615516.

gnomAD v4.1: 4 of 1,608,950 alleles (0.00025%); highest among the groups gnomAD compares: Non-Finnish European, 0.00026%; no homozygotes.

Submission:

Neuberg Centre For Genomic Medicine, NCGM
Classification: Uncertain significance for Developmental delay with autism spectrum disorder and gait instability. Review status: criteria provided, single submitter. Criteria: ACMG Guidelines, 2015. Collection method: clinical testing. Allele origin: germline. Inheritance: Autosomal recessive inheritance. Affected: yes.
Comment: The observed missense / splice region variant c.8120C>T(p.Thr2707Met) in HERC2 gene has not been reported previously as a pathogenic variant nor as a benign variant, to our knowledge. This variant is absent in gnomAD Exomes. The amino acid Thr at position 2707 is changed to a Met changing protein sequence and it might alter its composition and physico-chemical properties. Computational evidence (Polyphen-Probably damaging, SIFT-Tolerated and Mutation Taster-Disease causing) predicts conflicting evidence on protein structure and function for this variant. The reference amino acid p.Thr2707Met in HERC2 is predicted as conserved by GERP++ and PhyloP across 100 vertebrates. For these reasons, this variant has been classified as Uncertain Significance.